The following is an entry in ClinVar:

ClinVar aggregate classification (germline): Uncertain significance. Review status: criteria provided, multiple submitters, no conflicts (2 of 4 stars). 4 submissions from 4 submitters: Uncertain significance (4). Last evaluated 2025-12-09.

Conditions:
Hereditary nonpolyposis colorectal neoplasms. Identifiers: MedGen C0009405, MeSH D003123.
Hereditary cancer-predisposing syndrome. Also called: Hereditary neoplastic syndrome; Tumor predisposition; Neoplastic Syndromes, Hereditary; Hereditary Cancer Syndrome. Identifiers: Orphanet 140162, MedGen C0027672, MeSH D009386, MONDO:0015356.

Allele frequency attached by ClinVar (database versions not stated): gnomAD 0.00001; TOPMed 0.00002.
gnomAD v4.1: 13 of 1,598,230 alleles (0.00081%); highest among the groups gnomAD compares: African/African-American, 0.0013%; no homozygotes.

Submissions (4):

Labcorp Genetics (formerly Invitae), Labcorp
Classification: Uncertain significance for Hereditary nonpolyposis colorectal neoplasms. Last evaluated: 2025-12-09. Review status: criteria provided, single submitter. Criteria: Invitae Variant Classification Sherloc (09022015). Collection method: clinical testing. Allele origin: germline.
Comment: This sequence change replaces arginine, which is basic and polar, with leucine, which is neutral and non-polar, at codon 107 of the PMS2 protein (p.Arg107Leu). This variant is not present in population databases (gnomAD no frequency). This variant has not been reported in the literature in individuals affected with PMS2-related conditions. ClinVar contains an entry for this variant (Variation ID: 571014). Invitae Evidence Modeling incorporating data from in vitro experimental studies (internal data) indicates that this missense variant is expected to disrupt PMS2 function with a positive predictive value of 95%. In summary, the available evidence is currently insufficient to determine the role of this variant in disease. Therefore, it has been classified as a Variant of Uncertain Significance.

Center for Genomic Medicine, Rigshospitalet, Copenhagen University Hospital
Classification: Uncertain significance. Last evaluated: 2025-03-04. Review status: criteria provided, single submitter. Criteria: ACMG Guidelines, 2015. Collection method: clinical testing. Allele origin: germline.

Ambry Genetics
Classification: Uncertain significance for Hereditary cancer-predisposing syndrome. Last evaluated: 2023-09-28. Review status: criteria provided, single submitter. Criteria: Ambry Variant Classification Scheme 2023. Collection method: clinical testing. Allele origin: germline.
Comment: The p.R107L variant (also known as c.320G>T), located in coding exon 4 of the PMS2 gene, results from a G to T substitution at nucleotide position 320. The arginine at codon 107 is replaced by leucine, an amino acid with dissimilar properties. This amino acid position is highly conserved in available vertebrate species. In addition, this alteration is predicted to be deleterious by in silico analysis. Since supporting evidence is limited at this time, the clinical significance of this alteration remains unclear.

Color Diagnostics, LLC DBA Color Health
Classification: Uncertain significance for Hereditary cancer-predisposing syndrome. Last evaluated: 2022-03-21. Review status: criteria provided, single submitter. Criteria: ACMG Guidelines, 2015. Collection method: clinical testing. Allele origin: germline.
Comment: This missense variant replaces arginine with leucine at codon 107 of the PMS2 protein. Computational prediction suggests that this variant may have deleterious impact on protein structure and function (internally defined REVEL score threshold >= 0.7, PMID: 27666373). To our knowledge, functional studies have not been reported for this variant. This variant has not been reported in individuals affected with hereditary cancer in the literature. This variant has not been identified in the general population by the Genome Aggregation Database (gnomAD). The available evidence is insufficient to determine the role of this variant in disease conclusively. Therefore, this variant is classified as a Variant of Uncertain Significance.

NM_000535.7(PMS2):c.320G>T (p.Arg107Leu)

Gene: PMS2 (PMS1 homolog 2, mismatch repair system component; minus strand). Cytogenetic location: 7p22.1.
Variant type: single nucleotide variant.
Coding change: c.320G>T on transcript NM_000535.7 (MANE Select); coding-DNA position 320, G replaced by T.
Protein change: p.Arg107Leu; replaces arginine 107 with leucine.
Molecular consequence: missense variant. On other transcripts: 5 prime UTR variant (9), non-coding transcript variant (1), intron variant (2).
Genome position (GRCh38, 1-based): chr7:6,003,723, C>A on the plus strand (G>T on the coding strand, the complement: PMS2 is on the minus strand). VCF-style: chr7-6003723-C-A. GRCh37 (hg19) VCF-style: chr7-6043354-C-A.
Other names: c.-86G>T (NM_001322003.2, NM_001322004.2, NM_001322005.2 and 3 more transcripts); c.320G>T, p.Arg107Leu (NM_001322006.2, NM_001322014.2); c.-565G>T (NM_001322011.2, NM_001322012.2); c.-165G>T (NM_001322015.2); c.35+249G>T (NM_001322008.2, NM_001322007.2); short protein forms R107L.
Identifiers: ClinVar variation 571014 (VCV000571014.17), dbSNP rs63751284, ClinGen allele CA366744586.